The following is an entry in ClinVar:

NM_001184.4(ATR):c.7712G>A (p.Gly2571Glu)

Gene: ATR (ATR serine/threonine kinase; minus strand). Cytogenetic location: 3q23.
Variant type: single nucleotide variant.
Coding change: c.7712G>A on transcript NM_001184.4 (MANE Select); coding-DNA position 7712, G replaced by A.
Protein change: p.Gly2571Glu; replaces glycine 2571 with glutamic acid.
Molecular consequence: missense variant.
Genome position (GRCh38, 1-based): chr3:142,453,177, C>T on the plus strand (G>A on the coding strand, the complement: ATR is on the minus strand). VCF-style: chr3-142453177-C-T. GRCh37 (hg19) VCF-style: chr3-142172019-C-T.
Other names: c.7520G>A, p.Gly2507Glu (NM_001354579.2); short protein forms G2507E, G2571E.
Identifiers: ClinVar variation 3462890 (VCV003462890.1).
Genomic context (GRCh38, chr3:142,453,177, plus strand): 5'-CTTCTACTAACCTTTTCATTGACAACTTCTCCAGTTTCATTCAGTGGCGCTTTGGAATGC[C>T]CTTTCACTGGTTTACTCCATTCCACAAGAGGATCATGTAGAAAAGTCTTTAAGACACTAA-3'
Protein context (NP_001175.2, residues 2561-2581): PLVEWSKPVK[Gly2571Glu]HSKAPLNETG

ClinVar aggregate classification (germline): Uncertain significance (1 of 4 stars; one submission).

Conditions:
Inborn genetic diseases. Identifiers: MedGen C0950123, MeSH D030342.

Submission:

Ambry Genetics
Classification: Uncertain significance for Inborn genetic diseases. Last evaluated: 2024-09-30. Review status: criteria provided, single submitter. Criteria: Ambry Variant Classification Scheme 2023. Collection method: clinical testing. Allele origin: germline.
Comment: The p.G2571E variant (also known as c.7712G>A), located in coding exon 46 of the ATR gene, results from a G to A substitution at nucleotide position 7712. The glycine at codon 2571 is replaced by glutamic acid, an amino acid with similar properties. This amino acid position is conserved. In addition, the in silico prediction for this alteration is inconclusive. Based on the available evidence, the clinical significance of this variant remains unclear.